The following is an entry in ClinVar:

NM_001161352.2(KCNMA1):c.128C>T (p.Ser43Phe)

Gene: KCNMA1 (potassium calcium-activated channel subfamily M alpha 1; minus strand). Cytogenetic location: 10q22.3.
Variant type: single nucleotide variant.
Coding change: c.128C>T on transcript NM_001161352.2 (MANE Select); coding-DNA position 128, C replaced by T.
Protein change: p.Ser43Phe; replaces serine 43 with phenylalanine.
Molecular consequence: missense variant.
Genome position (GRCh38, 1-based): chr10:77,637,515, G>A on the plus strand (C>T on the coding strand, the complement: KCNMA1 is on the minus strand). VCF-style: chr10-77637515-G-A. GRCh37 (hg19) VCF-style: chr10-79397273-G-A.
Other names: c.128C>T, p.Ser43Phe (NM_001014797.3, NM_001161353.2, NM_001271518.2 and 13 more transcripts); short protein forms S43F.
Identifiers: ClinVar variation 3608289 (VCV003608289.2).

ClinVar aggregate classification (germline): Uncertain significance (1 of 4 stars; one submission).

Conditions:
Generalized epilepsy-paroxysmal dyskinesia syndrome (PNKD3). Also called: Generalized epilepsy and paroxysmal dyskinesia; Paroxysmal nonkinesigenic dyskinesia, 3, with or without generalized epilepsy. Identifiers: Orphanet 79137, MedGen C5574945, MONDO:0012276, OMIM 609446.

Submission:

Labcorp Genetics (formerly Invitae), Labcorp
Classification: Uncertain significance for Generalized epilepsy-paroxysmal dyskinesia syndrome. Last evaluated: 2024-11-12. Review status: criteria provided, single submitter. Criteria: Invitae Variant Classification Sherloc (09022015). Collection method: clinical testing. Allele origin: germline.
Comment: This sequence change replaces serine, which is neutral and polar, with phenylalanine, which is neutral and non-polar, at codon 43 of the KCNMA1 protein (p.Ser43Phe). This variant is not present in population databases (gnomAD no frequency). This variant has not been reported in the literature in individuals affected with KCNMA1-related conditions. An algorithm developed to predict the effect of missense changes on protein structure and function (PolyPhen-2) suggests that this variant is likely to be disruptive. In summary, the available evidence is currently insufficient to determine the role of this variant in disease. Therefore, it has been classified as a Variant of Uncertain Significance.